The following is an entry in ClinVar:

ClinVar aggregate classification (germline): Likely benign (0 of 4 stars; one submission).

Conditions:
EPB41L1-related disorder. Also called: EPB41L1-related condition.

Allele frequency attached by ClinVar (database versions not stated): gnomAD exomes below 0.00001.
gnomAD v4.1: 1 of 1,613,000 alleles (0.000062%); highest among the groups gnomAD compares: Non-Finnish European, 0.000085%; no homozygotes.

Submission:

PreventionGenetics, part of Exact Sciences
Classification: Likely benign for EPB41L1-related condition. Last evaluated: 2021-07-05. Review status: no assertion criteria provided. Collection method: clinical testing. Allele origin: germline.
Comment: This variant is classified as likely benign based on ACMG/AMP sequence variant interpretation guidelines (Richards et al. 2015 PMID: 25741868, with internal and published modifications).

NM_012156.2(EPB41L1):c.2079+5A>G

Gene: EPB41L1 (erythrocyte membrane protein band 4.1 like 1; plus strand). Cytogenetic location: 20q11.23.
Variant type: single nucleotide variant.
Coding change: c.2079+5A>G on transcript NM_012156.2 (MANE Select); 5 bases into the intron after coding-DNA position 2079, A replaced by G.
Molecular consequence: intron variant.
Genome position (GRCh38, 1-based): chr20:36,209,903, A>G. VCF-style: chr20-36209903-A-G. GRCh37 (hg19) VCF-style: chr20-34797825-A-G.
Other names: c.1857+5A>G (NM_001258331.2, NM_001424407.1, NM_001424406.1 and 4 more transcripts); c.1540-2369A>G (NM_001258330.1); c.1447-2369A>G (NM_001424405.1, NM_001424404.1, NM_001424403.1 and 4 more transcripts); c.2079+5A>G (NM_001258329.1, NM_001424397.1); c.1669-2369A>G (NM_001424384.1); c.2043+5A>G (NM_001424401.1, NM_001424400.1, NM_001424396.1); c.1633-2369A>G (NM_001424388.1, NM_001424387.1, NM_001424383.1); c.2076+5A>G (NM_001424402.1); and 5 more.
Identifiers: ClinVar variation 3029252 (VCV003029252.2), dbSNP rs2063036322, ClinGen allele CA2652689620.